The following is an entry in ClinVar:

ClinVar aggregate classification (germline): Likely pathogenic. Review status: criteria provided, multiple submitters, no conflicts (2 of 4 stars). 4 submissions from 4 submitters: Likely pathogenic (3). 1 of the submissions does not count toward it. Last evaluated 2025-09-11.

Conditions:
Inborn genetic diseases. Identifiers: MedGen C0950123, MeSH D030342.
Frank-Ter Haar syndrome. Also called: BORRONE DERMATOCARDIOSKELETAL SYNDROME; Borrone di Rocco Crovato syndrome; TER HAAR SYNDROME; MELNICK-NEEDLES SYNDROME, AUTOSOMAL RECESSIVE. Identifiers: Orphanet 1266, Orphanet 137834, MedGen C1855305, MONDO:0009579, OMIM 249420.

Allele frequency attached by ClinVar (database versions not stated): ExAC 0.00001; gnomAD exomes 0.00001.

Submissions (4):

Ambry Genetics
Classification: Likely pathogenic for Inborn genetic diseases. Last evaluated: 2025-09-11. Review status: criteria provided, single submitter. Criteria: Ambry Variant Classification Scheme 2023. Collection method: clinical testing. Allele origin: germline.
Comment: The c.127C>T (p.R43W) alteration is located in exon 2 (coding exon 2) of the SH3PXD2B gene. This alteration results from a C to T substitution at nucleotide position 127, causing the arginine (R) at amino acid position 43 to be replaced by a tryptophan (W). Based on data from gnomAD, the T allele has an overall frequency of 0.001% (3/248004) total alleles studied. The highest observed frequency was 0.006% (1/15946) of African alleles. This variant has been identified in the homozygous state and/or in conjunction with other SH3PXD2B variant(s) in individual(s) who met clinical criteria for Frank-ter Haar Syndrome (Iqbal, 2010). This amino acid position is highly conserved in available vertebrate species. In multiple assays testing SH3PXD2B function, this variant showed functionally abnormal results (B&ouml;gel, 2012; &Aacute;d&aacute;m, 2015). The p.R43W alteration is predicted to be deleterious by in silico analysis. Based on the available evidence, this alteration is classified as likely pathogenic.

Laboratorio de Genetica e Diagnostico Molecular, Hospital Israelita Albert Einstein
Classification: Likely pathogenic for Frank-Ter Haar syndrome. Last evaluated: 2022-03-23. Review status: criteria provided, single submitter. Criteria: ACMG Guidelines, 2015. Collection method: clinical testing. Allele origin: germline. Affected: yes. Observed: 1 variant allele.
Comment: ACMG classification criteria: PS4 supporting, PM2 moderated, PM3 moderated, PP3 supporting, PP4

Revvity Omics, Revvity
Classification: Likely pathogenic for Frank-Ter Haar syndrome. Last evaluated: 2021-10-27. Review status: criteria provided, single submitter. Criteria: ACMG Guidelines, 2015. Collection method: clinical testing. Allele origin: germline.

OMIM
Classification: Pathogenic for FRANK-TER HAAR SYNDROME. Last evaluated: 2010-02-12. Review status: no assertion criteria provided. Collection method: literature only. Allele origin: germline. Not counted in ClinVar's aggregate classification.

Literature cited by the submitters: PubMed 20137777 (cited by Ambry Genetics and OMIM); PubMed 22829589 (cited by Ambry Genetics); PubMed 26183326 (cited by Ambry Genetics).

NM_001017995.3(SH3PXD2B):c.127C>T (p.Arg43Trp)

Gene: SH3PXD2B (SH3 and PX domains 2B; minus strand). Cytogenetic location: 5q35.1.
Variant type: single nucleotide variant.
Coding change: c.127C>T on transcript NM_001017995.3 (MANE Select); coding-DNA position 127, C replaced by T.
Protein change: p.Arg43Trp; replaces arginine 43 with tryptophan.
Molecular consequence: missense variant.
Genome position (GRCh38, 1-based): chr5:172,422,445, G>A on the plus strand (C>T on the coding strand, the complement: SH3PXD2B is on the minus strand). VCF-style: chr5-172422445-G-A. GRCh37 (hg19) VCF-style: chr5-171849449-G-A.
Other names: c.127C>T, p.Arg43Trp (NM_001308175.2); c.127C>T (NM_001017995.2); short protein forms R43W.
Identifiers: ClinVar variation 190 (VCV000000190.7), dbSNP rs267607046, ClinGen allele CA114029.